The following is an entry in ClinVar:

NM_012186.3(FOXE3):c.334C>T (p.Pro112Ser)

Genes: FOXE3 (forkhead box E3; plus strand), LINC01389 (long independently transcribed non-coding RNA 1389; minus strand). Cytogenetic location: 1p33.
Variant type: single nucleotide variant.
Coding change: c.334C>T on transcript NM_012186.3 (MANE Select); coding-DNA position 334, C replaced by T.
Protein change: p.Pro112Ser; replaces proline 112 with serine.
Molecular consequence: missense variant.
Genome position (GRCh38, 1-based): chr1:47,416,649, C>T. VCF-style: chr1-47416649-C-T. GRCh37 (hg19) VCF-style: chr1-47882321-C-T.
Other names: short protein forms P112S.
Identifiers: ClinVar variation 617853 (VCV000617853.16), dbSNP rs745571457, ClinGen allele CA842940.
Genomic context (GRCh38, chr1:47,416,649, plus strand): 5'-CTCACGCTGGCCGCCATCTACCGCTTCATCACCGAACGCTTTGCCTTCTACCGCGACAGC[C>T]CGCGCAAGTGGCAGAACAGCATCCGCCACAATCTCACGCTCAACGACTGCTTCGTCAAGG-3'
Protein context (NP_036318.1, residues 102-122): TERFAFYRDS[Pro112Ser]RKWQNSIRHN

ClinVar aggregate classification (germline): Uncertain significance. Review status: criteria provided, multiple submitters, no conflicts (2 of 4 stars). 5 submissions from 5 submitters: Uncertain significance (2). 3 of the submissions do not count toward it. Last evaluated 2026-01-17.

Conditions:
Acute aortic dissection. Identifiers: MedGen C0241868.
Congenital aneurysm of ascending aorta (AAT1). Also called: Aortic aneurysm, thoracic; AORTIC ANEURYSM, FAMILIAL THORACIC 1; ANNULOAORTIC ECTASIA; Familial thoracic aortic aneurysm. Identifiers: Orphanet 229, MedGen C0345050, MONDO:0024559, OMIM 607086.
Cardiovascular phenotype. Identifiers: MedGen CN230736.
Congenital primary aphakia. Also called: Anterior segment dysgenesis 2, multiple subtypes; ANTERIOR SEGMENT DYSGENESIS 2. Identifiers: Orphanet 83461, MedGen C1853230, MONDO:0012456, OMIM 610256.
Anterior segment dysgenesis. Also called: Ocular anterior segment dysgenesis. Identifiers: Orphanet 88632, MedGen C1862839, MONDO:0019503, HP:0007700.

Allele frequency attached by ClinVar (database versions not stated): gnomAD 0.00003 and 0.00004; gnomAD exomes 0.00004; TOPMed 0.00004; ExAC 0.00007.

Submissions (5):

Labcorp Genetics (formerly Invitae), Labcorp
Classification: Uncertain significance for Anterior segment dysgenesis; Congenital primary aphakia. Last evaluated: 2026-01-17. Review status: criteria provided, single submitter. Criteria: Invitae Variant Classification Sherloc (09022015). Collection method: clinical testing. Allele origin: germline.
Comment: This sequence change replaces proline, which is neutral and non-polar, with serine, which is neutral and polar, at codon 112 of the FOXE3 protein (p.Pro112Ser). This variant is present in population databases (rs745571457, gnomAD 0.008%). This missense change has been observed in individual(s) with thoracic aortic disease (PMID: 26854927). ClinVar contains an entry for this variant (Variation ID: 617853). Invitae Evidence Modeling of protein sequence and biophysical properties (such as structural, functional, and spatial information, amino acid conservation, physicochemical variation, residue mobility, and thermodynamic stability) indicates that this missense variant is not expected to disrupt FOXE3 protein function with a negative predictive value of 95%. In summary, the available evidence is currently insufficient to determine the role of this variant in disease. Therefore, it has been classified as a Variant of Uncertain Significance.

Ambry Genetics
Classification: Uncertain significance for Cardiovascular phenotype. Last evaluated: 2024-11-02. Review status: criteria provided, single submitter. Criteria: Ambry Variant Classification Scheme 2023. Collection method: clinical testing. Allele origin: germline.
Comment: The p.P112S variant (also known as c.334C>T), located in coding exon 1 of the FOXE3 gene, results from a C to T substitution at nucleotide position 334. The proline at codon 112 is replaced by serine, an amino acid with similar properties. This variant has been detected in a thoracic aortic aneurysm and dissection cohort; however, details were limited (Kuang SQ et al. J. Clin. Invest., 2016 Mar;126:948-61). This amino acid position is not conserved on limited sequence alignment. In addition, this alteration is predicted to be tolerated by in silico analysis. Since supporting evidence is limited at this time, the clinical significance of this alteration remains unclear.

University of Washington Center for Mendelian Genomics, University of Washington
Classification: Likely benign for Familial thoracic aortic aneurysms; Acute aortic dissections. Last evaluated: 2016-02-08. Review status: no assertion criteria provided. Collection method: research. Allele origin: unknown. Inheritance: Autosomal dominant inheritance. Not counted in ClinVar's aggregate classification.

Clinical Genetics DNA and cytogenetics Diagnostics Lab, Erasmus MC, Erasmus Medical Center
Classification: Likely benign. Review status: no assertion criteria provided. Collection method: clinical testing. Allele origin: germline. Affected: yes. Study: VKGL Data-share Consensus. Not counted in ClinVar's aggregate classification.

Genome Diagnostics Laboratory, University Medical Center Utrecht
Classification: Likely benign. Review status: no assertion criteria provided. Collection method: clinical testing. Allele origin: germline. Affected: yes. Study: VKGL Data-share Consensus. Not counted in ClinVar's aggregate classification.

Literature cited by the submitters: PubMed 26854927 (cited by Labcorp Genetics (formerly Invitae), Labcorp and Ambry Genetics); PubMed 29314435 (cited by Ambry Genetics); PMC 4767350 (cited by University of Washington Center for Mendelian Genomics, University of Washington).